The following is an entry in ClinVar:

ClinVar aggregate classification (germline): Uncertain significance. Review status: criteria provided, multiple submitters, no conflicts (2 of 4 stars). 3 submissions from 3 submitters: Uncertain significance (3). Last evaluated 2025-07-15.

Conditions:
Inborn genetic diseases. Identifiers: MedGen C0950123, MeSH D030342.

Allele frequency attached by ClinVar (database versions not stated): gnomAD exomes 0.00002 and 0.00004; TOPMed 0.00002; gnomAD 0.00003; ExAC 0.00006; ESP Exome Variant Server 0.00008.
gnomAD v4.1: 38 of 1,612,758 alleles (0.0024%); highest among the groups gnomAD compares: Non-Finnish European, 0.0024%; no homozygotes.

Submissions (3):

Ambry Genetics
Classification: Uncertain significance for Inborn genetic diseases. Last evaluated: 2025-07-15. Review status: criteria provided, single submitter. Criteria: Ambry Variant Classification Scheme 2023. Collection method: clinical testing. Allele origin: germline.

Labcorp Genetics (formerly Invitae), Labcorp
Classification: Uncertain significance. Last evaluated: 2022-06-09. Review status: criteria provided, single submitter. Criteria: Invitae Variant Classification Sherloc (09022015). Collection method: clinical testing. Allele origin: germline.
Comment: This variant is present in population databases (rs150499644, gnomAD 0.02%). In summary, the available evidence is currently insufficient to determine the role of this variant in disease. Therefore, it has been classified as a Variant of Uncertain Significance. Algorithms developed to predict the effect of sequence changes on RNA splicing suggest that this variant may create or strengthen a splice site. Algorithms developed to predict the effect of missense changes on protein structure and function output the following: SIFT: "Deleterious"; PolyPhen-2: "Benign"; Align-GVGD: "Class C0". The valine amino acid residue is found in multiple mammalian species, which suggests that this missense change does not adversely affect protein function. ClinVar contains an entry for this variant (Variation ID: 1312931). This variant has not been reported in the literature in individuals affected with TRIOBP-related conditions. This sequence change replaces alanine, which is neutral and non-polar, with valine, which is neutral and non-polar, at codon 2081 of the TRIOBP protein (p.Ala2081Val).

GeneDx
Classification: Uncertain significance. Last evaluated: 2020-07-02. Review status: criteria provided, single submitter. Criteria: GeneDx Variant Classification Process June 2021. Collection method: clinical testing. Allele origin: germline. Affected: yes.
Comment: In silico analysis supports that this missense variant does not alter protein structure/function; Has not been previously published as pathogenic or benign to our knowledge; In silico analysis, which includes splice predictors and evolutionary conservation, suggests this variant may impact gene splicing. In the absence of RNA/functional studies, the actual effect of this sequence change is unknown.

NM_001039141.3(TRIOBP):c.6242C>T (p.Ala2081Val)

Gene: TRIOBP (TRIO and F-actin binding protein; plus strand). Cytogenetic location: 22q13.1.
Variant type: single nucleotide variant.
Coding change: c.6242C>T on transcript NM_001039141.3 (MANE Select); coding-DNA position 6242, C replaced by T.
Protein change: p.Ala2081Val; replaces alanine 2081 with valine.
Molecular consequence: missense variant.
Genome position (GRCh38, 1-based): chr22:37,759,182, C>T. VCF-style: chr22-37759182-C-T. GRCh37 (hg19) VCF-style: chr22-38155189-C-T.
Other names: c.1103C>T, p.Ala368Val (NM_007032.5, NM_138632.2); short protein forms A2081V, A368V.
Identifiers: ClinVar variation 1312931 (VCV001312931.7), dbSNP rs150499644, ClinGen allele CA10224921.